The following is an entry in ClinVar:

ClinVar aggregate classification (germline): Conflicting classifications of pathogenicity. Review status: criteria provided, conflicting classifications (1 of 4 stars). 4 submissions from 4 submitters: Uncertain significance (1); Benign (2). 1 of the submissions does not count toward it. Last evaluated 2024-11-26.

Allele frequency attached by ClinVar (database versions not stated): gnomAD 0.72584 and 0.72034; TOPMed 0.72656; 1000 Genomes Project 30x 0.73532; gnomAD exomes 0.77875.

Submissions (4):

Blueprint Genetics
Classification: Benign. Last evaluated: 2024-11-26. Review status: criteria provided, single submitter. Criteria: ACMG Guidelines, 2015. Collection method: clinical testing. Allele origin: germline.

CeGaT Center for Human Genetics Tuebingen
Classification: Benign. Last evaluated: 2024-07-01. Review status: criteria provided, single submitter. Criteria: CeGaT Center For Human Genetics Tuebingen Variant Classification Criteria Version 2. Collection method: clinical testing. Allele origin: germline. Affected: yes. Observed: 21 variant alleles.
Comment: DPYD: BS1, BS2

Fulgent Genetics
Classification: Uncertain significance. Last evaluated: 2024-03-19. Review status: criteria provided, single submitter. Criteria: ACMG Guidelines, 2015. Collection method: clinical testing. Allele origin: germline.

Diasio Lab,  Mayo Clinic
No classification provided. Review status: no classification provided. Collection method: not provided. Allele origin: unknown. Not counted in ClinVar's aggregate classification.

NM_000110.4(DPYD):c.85= (p.Cys29=)

Gene: DPYD (dihydropyrimidine dehydrogenase; minus strand). Cytogenetic location: 1p21.3.
Variant type: single nucleotide variant.
Coding change: c.85= on transcript NM_000110.4 (MANE Select); coding-DNA position 85, no change from the reference sequence.
Protein change: p.Cys29=; no amino-acid change (cysteine 29 retained).
Molecular consequence: no sequence alteration.
Genome position: GRCh38 VCF-style: chr1-97883329-A-A. GRCh37 (hg19) VCF-style: chr1-98348885-G-A.
Other names: c.85=, p.Cys29= (NM_001160301.1).
Identifiers: ClinVar variation 100123 (VCV000100123.28), dbSNP rs1801265.